The following is an entry in ClinVar:

ClinVar aggregate classification (germline): Uncertain significance (1 of 4 stars; one submission).

Conditions:
Inborn genetic diseases. Identifiers: MedGen C0950123, MeSH D030342.

Submission:

Ambry Genetics
Classification: Uncertain significance for Inborn genetic diseases. Last evaluated: 2025-12-18. Review status: criteria provided, single submitter. Criteria: Ambry Variant Classification Scheme 2023. Collection method: clinical testing. Allele origin: germline.
Comment: The p.A299V variant (also known as c.896C>T), located in coding exon 7 of the RUNX1 gene, results from a C to T substitution at nucleotide position 896. The alanine at codon 299 is replaced by valine, an amino acid with similar properties. This amino acid position is conserved. In addition, this alteration is predicted to be tolerated by in silico analysis. Based on the available evidence, the clinical significance of this variant remains unclear.

NM_001754.5(RUNX1):c.896C>T (p.Ala299Val)

Gene: RUNX1 (RUNX family transcription factor 1; minus strand). Cytogenetic location: 21q22.12.
Variant type: single nucleotide variant.
Coding change: c.896C>T on transcript NM_001754.5 (MANE Select); coding-DNA position 896, C replaced by T.
Protein change: p.Ala299Val; replaces alanine 299 with valine.
Molecular consequence: missense variant.
Genome position (GRCh38, 1-based): chr21:34,799,372, G>A on the plus strand (C>T on the coding strand, the complement: RUNX1 is on the minus strand). VCF-style: chr21-34799372-G-A. GRCh37 (hg19) VCF-style: chr21-36171669-G-A.
Other names: c.815C>T, p.Ala272Val (NM_001001890.3); short protein forms A299V, A272V.
Identifiers: ClinVar variation 4843705 (VCV004843705.1).